The following is an entry in ClinVar:

ClinVar aggregate classification (germline): Uncertain significance (1 of 4 stars; one submission).

Submission:

Ambry Genetics
Classification: Uncertain significance. Last evaluated: 2025-10-21. Review status: criteria provided, single submitter. Criteria: Ambry Variant Classification Scheme 2023. Collection method: clinical testing. Allele origin: germline.
Comment: The p.H480Q variant (also known as c.1440T>G), located in coding exon 8 of the GALNT12 gene, results from a T to G substitution at nucleotide position 1440. The histidine at codon 480 is replaced by glutamine, an amino acid with highly similar properties. This amino acid position is conserved. In addition, the in silico prediction for this alteration is inconclusive. Based on the available evidence, the clinical significance of this variant remains unclear.

NM_024642.5(GALNT12):c.1440T>G (p.His480Gln)

Gene: GALNT12 (polypeptide N-acetylgalactosaminyltransferase 12; plus strand). Cytogenetic location: 9q22.33.
Variant type: single nucleotide variant.
Coding change: c.1440T>G on transcript NM_024642.5 (MANE Select); coding-DNA position 1440, T replaced by G.
Protein change: p.His480Gln; replaces histidine 480 with glutamine.
Molecular consequence: missense variant.
Genome position (GRCh38, 1-based): chr9:98,844,191, T>G. VCF-style: chr9-98844191-T-G. GRCh37 (hg19) VCF-style: chr9-101606473-T-G.
Other names: short protein forms H480Q.
Identifiers: ClinVar variation 4670624 (VCV004670624.1).
Genomic context (GRCh38, chr9:98,844,191, plus strand): 5'-CTATAACCCTCCCGATGAAAACCAGATTGTGGGACACCAGGTCATTCTGTACCTCTGTCA[T>G]GGGATGGGCCAGAATCAGGTAGGTATGAGCCTCAAAAGAGGAGAAAGCTGTGTGTTTTGT-3'
Protein context (NP_078918.3, residues 470-490): VGHQVILYLC[His480Gln]GMGQNQFFEY